The following is an entry in ClinVar:

ClinVar aggregate classification (germline): Uncertain significance (1 of 4 stars; one submission).

Conditions:
Autism spectrum disorder. Also called: Autism spectrum disorders. Identifiers: MedGen C1510586, MeSH D000067877, MONDO:0005258.

Submission:

Department Of Medical Genetics, Apollo Hospitals
Classification: Uncertain significance for Autism spectrum disorder. Last evaluated: 2025-05-13. Review status: criteria provided, single submitter. Criteria: ACMG Guidelines, 2015. Collection method: clinical testing. Allele origin: unknown. Inheritance: Autosomal recessive inheritance. Affected: yes. Observed: 1 homozygote.
Comment: Limited evidence is available for association of Autism with NCAM1 variants and NCAM1 levels. ACMG classification criteria - PM2 (Absent from controls in population databases)

Literature cited by the submitters: PubMed 25137309; PubMed 30423390; PubMed 35492721.

NM_181351.5(NCAM1):c.503T>G (p.Val168Gly)

Gene: NCAM1 (neural cell adhesion molecule 1; plus strand). Cytogenetic location: 11q23.2.
Variant type: single nucleotide variant.
Coding change: c.503T>G on transcript NM_181351.5 (MANE Select); coding-DNA position 503, T replaced by G.
Protein change: p.Val168Gly; replaces valine 168 with glycine.
Molecular consequence: missense variant. On other transcripts: intron variant (4).
Genome position (GRCh38, 1-based): chr11:113,206,055, T>G. VCF-style: chr11-113206055-T-G. GRCh37 (hg19) VCF-style: chr11-113076777-T-G.
Other names: c.503T>G, p.Val168Gly (NM_001400605.1, NM_001400607.1, NM_001400608.1 and 22 more transcripts); c.428T>G, p.Val143Gly (NM_001400606.1); c.53-8314T>G (NM_001400614.1, NM_001400619.1, NM_001400611.1 and 1 more transcripts); short protein forms V143G, V168G.
Identifiers: ClinVar variation 3900049 (VCV003900049.1).